The following is an entry in ClinVar:

NM_052947.4(ALPK2):c.6055C>T (p.Arg2019Trp)

Gene: ALPK2 (alpha kinase 2; minus strand). Cytogenetic location: 18q21.31.
Variant type: single nucleotide variant.
Coding change: c.6055C>T on transcript NM_052947.4 (MANE Select); coding-DNA position 6055, C replaced by T.
Protein change: p.Arg2019Trp; replaces arginine 2019 with tryptophan.
Molecular consequence: missense variant.
Genome position (GRCh38, 1-based): chr18:58,504,123, G>A on the plus strand (C>T on the coding strand, the complement: ALPK2 is on the minus strand). VCF-style: chr18-58504123-G-A. GRCh37 (hg19) VCF-style: chr18-56171355-G-A.
Other names: short protein forms R2019W.
Identifiers: ClinVar variation 1751294 (VCV001751294.2), dbSNP rs546455740, ClinGen allele CA8976263.

ClinVar aggregate classification (germline): Uncertain significance (1 of 4 stars; one submission).

Allele frequency attached by ClinVar (database versions not stated): gnomAD exomes below 0.00001; ExAC 0.00001; gnomAD 0.00001; TOPMed 0.00001; 1000 Genomes Project 30x 0.00016; 1000 Genomes Project 0.00020.
gnomAD v4.1: 8 of 1,614,068 alleles (0.0005%); highest among the groups gnomAD compares: South Asian, 0.0022%; no homozygotes.

Submission:

Ambry Genetics
Classification: Uncertain significance. Last evaluated: 2023-10-08. Review status: criteria provided, single submitter. Criteria: Ambry Variant Classification Scheme 2023. Collection method: clinical testing. Allele origin: germline.
Comment: The p.R2019W variant (also known as c.6055C>T), located in coding exon 10 of the ALPK2 gene, results from a C to T substitution at nucleotide position 6055. The arginine at codon 2019 is replaced by tryptophan, an amino acid with dissimilar properties. This amino acid position is conserved. In addition, the in silico prediction for this alteration is inconclusive. Since supporting evidence is limited at this time, the clinical significance of this alteration remains unclear.